The following is an entry in ClinVar:

NM_000088.4(COL1A1):c.2486C>T (p.Pro829Leu)

Gene: COL1A1 (collagen type I alpha 1 chain; minus strand). Cytogenetic location: 17q21.33.
Variant type: single nucleotide variant.
Coding change: c.2486C>T on transcript NM_000088.4 (MANE Select); coding-DNA position 2486, C replaced by T.
Protein change: p.Pro829Leu; replaces proline 829 with leucine.
Molecular consequence: missense variant.
Genome position (GRCh38, 1-based): chr17:50,190,074, G>A on the plus strand (C>T on the coding strand, the complement: COL1A1 is on the minus strand). VCF-style: chr17-50190074-G-A. GRCh37 (hg19) VCF-style: chr17-48267435-G-A.
Other names: short protein forms P829L.
Identifiers: ClinVar variation 4847970 (VCV004847970.2).

ClinVar aggregate classification (germline): Conflicting classifications of pathogenicity. Review status: criteria provided, conflicting classifications (1 of 4 stars). 2 submissions from 2 submitters: Uncertain significance (1); Likely benign (1). Last evaluated 2026-05-28.

Conditions:
Cardiovascular phenotype. Identifiers: MedGen CN230736.

gnomAD v4.1: 38 of 1,613,042 alleles (0.0024%); highest among the groups gnomAD compares: Non-Finnish European, 0.0031%; no homozygotes.

Submissions (2):

Ambry Genetics
Classification: Uncertain significance for Cardiovascular phenotype. Last evaluated: 2026-05-28. Review status: criteria provided, single submitter. Criteria: Ambry Variant Classification Scheme 2023. Collection method: clinical testing. Allele origin: germline.
Comment: The p.P829L variant (also known as c.2486C>T), located in coding exon 36 of the COL1A1 gene, results from a C to T substitution at nucleotide position 2486. The proline at codon 829 is replaced by leucine, an amino acid with similar properties. This amino acid position is conserved. In addition, the in silico prediction for this alteration is inconclusive. Based on the available evidence, the clinical significance of this variant remains unclear.

Women's Health and Genetics/Laboratory Corporation of America, LabCorp
Classification: Likely benign. Last evaluated: 2026-02-25. Review status: criteria provided, single submitter. Criteria: LabCorp Variant Classification Summary - May 2015. Collection method: clinical testing. Allele origin: germline.
Comment: Variant summary: COL1A1 c.2486C>T (p.Pro829Leu) results in a non-conservative amino acid change in the encoded protein sequence. Algorithms developed to predict the effect of missense changes on protein structure and function all suggest that this variant is likely to be disruptive. The observed variant frequency within Non-Finnish European control individuals in the gnomAD database exceeds the estimated maximal expected allele frequency for disease-causing variants in COL1A1, suggesting the variant is benign. To our knowledge, no occurrence of c.2486C>T in individuals affected with COL1A1-related conditions and no experimental evidence demonstrating its impact on protein function have been reported. No submitters have cited clinical-significance assessments for this variant to ClinVar. Based on the evidence outlined above, the variant was classified as likely benign.